The following is an entry in ClinVar:

NM_001330260.2(SCN8A):c.3163C>T (p.Arg1055Trp)

Gene: SCN8A (sodium voltage-gated channel alpha subunit 8; plus strand). Cytogenetic location: 12q13.13.
Variant type: single nucleotide variant.
Coding change: c.3163C>T on transcript NM_001330260.2 (MANE Select); coding-DNA position 3163, C replaced by T.
Protein change: p.Arg1055Trp; replaces arginine 1055 with tryptophan.
Molecular consequence: missense variant.
Genome position (GRCh38, 1-based): chr12:51,769,126, C>T. VCF-style: chr12-51769126-C-T. GRCh37 (hg19) VCF-style: chr12-52162910-C-T.
Other names: c.3163C>T, p.Arg1055Trp (NM_001177984.3, NM_001369788.1, NM_014191.4); short protein forms R1055W.
Identifiers: ClinVar variation 530470 (VCV000530470.12), dbSNP rs370141803, ClinGen allele CA6571554.

ClinVar aggregate classification (germline): Conflicting classifications of pathogenicity. Review status: criteria provided, conflicting classifications (1 of 4 stars). 2 submissions from 2 submitters: Uncertain significance (1); Benign (1). Last evaluated 2025-10-01.

Conditions:
Early-infantile DEE. Also called: Early infantile epileptic encephalopathy; Early infantile epileptic encephalopathy with suppression bursts; Ohtahara syndrome. Identifiers: Orphanet 1934, MedGen C0393706, MONDO:0800491.

Allele frequency attached by ClinVar (database versions not stated): gnomAD exomes 0.00002 and 0.00004; ExAC 0.00009; ESP Exome Variant Server 0.00015; gnomAD 0.00003; TOPMed 0.00003.
gnomAD v4.1: 37 of 1,613,120 alleles (0.0023%); highest among the groups gnomAD compares: Non-Finnish European, 0.0029%; no homozygotes.

Submissions (2):

Labcorp Genetics (formerly Invitae), Labcorp
Classification: Benign for Early-infantile DEE. Last evaluated: 2025-10-01. Review status: criteria provided, single submitter. Criteria: Invitae Variant Classification Sherloc (09022015). Collection method: clinical testing. Allele origin: germline.

Laboratorio de Genetica e Diagnostico Molecular, Hospital Israelita Albert Einstein
Classification: Uncertain significance. Last evaluated: 2020-10-21. Review status: criteria provided, single submitter. Criteria: ACMG Guidelines, 2015. Collection method: clinical testing. Allele origin: germline. Affected: yes.
Comment: ACMG classification criteria: PP2, PP3